The following is an entry in ClinVar:

ClinVar aggregate classification (germline): Uncertain significance. Review status: criteria provided, multiple submitters, no conflicts (2 of 4 stars). 4 submissions from 4 submitters: Uncertain significance (4). Last evaluated 2023-09-20.

Conditions:
Inborn genetic diseases. Identifiers: MedGen C0950123, MeSH D030342.

Allele frequency attached by ClinVar (database versions not stated): ExAC 0.00002; gnomAD exomes 0.00002; gnomAD 0.00003; TOPMed 0.00003.
gnomAD v4.1: 80 of 1,612,852 alleles (0.005%); highest among the groups gnomAD compares: East Asian, 0.0089%; no homozygotes.

Submissions (4):

Ambry Genetics
Classification: Uncertain significance for Inborn genetic diseases. Last evaluated: 2023-09-20. Review status: criteria provided, single submitter. Criteria: Ambry Variant Classification Scheme 2023. Collection method: clinical testing. Allele origin: germline.

GeneDx
Classification: Uncertain significance. Last evaluated: 2022-04-15. Review status: criteria provided, single submitter. Criteria: GeneDx Variant Classification Process June 2021. Collection method: clinical testing. Allele origin: germline. Affected: yes.
Comment: In silico analysis supports that this missense variant has a deleterious effect on protein structure/function; Has not been previously published as pathogenic or benign to our knowledge

Laboratory for Molecular Medicine, Mass General Brigham Personalized Medicine
Classification: Uncertain significance. Last evaluated: 2017-03-16. Review status: criteria provided, single submitter. Criteria: LMM Criteria. Collection method: clinical testing. Allele origin: germline. Observed: 1 variant allele.
Comment: The p.Arg1232Trp variant in OTOF has not been previously reported in individuals with hearing loss, but has been reported in ClinVar (Variation ID 196192) as of uncertain significance. This variant has been identified in 3/34394 Latino chro mosomes by the Genome Aggregation Database (gnomAD .org; dbSNP rs749458515). Although this variant has been seen in the general pop ulation, its frequency is not high enough to rule out a pathogenic role. Computa tional prediction tools and conservation analysis suggest that the p.Arg1232Trp variant may impact the protein, though this information is not predictive enough to determine pathogenicity. In summary, the clinical significance of the p.Arg1 232Trp variant is uncertain.

Eurofins Ntd Llc (ga)
Classification: Uncertain significance. Last evaluated: 2015-03-20. Review status: criteria provided, single submitter. Criteria: EGL Classification Definitions 2015. Collection method: clinical testing. Allele origin: germline. Observed: 1 variant allele, 1 heterozygote.

NM_194248.3(OTOF):c.3694C>T (p.Arg1232Trp)

Gene: OTOF (otoferlin; minus strand). Cytogenetic location: 2p23.3.
Variant type: single nucleotide variant.
Coding change: c.3694C>T on transcript NM_194248.3 (MANE Select); coding-DNA position 3694, C replaced by T.
Protein change: p.Arg1232Trp; replaces arginine 1232 with tryptophan.
Molecular consequence: missense variant.
Genome position (GRCh38, 1-based): chr2:26,473,171, G>A on the plus strand (C>T on the coding strand, the complement: OTOF is on the minus strand). VCF-style: chr2-26473171-G-A. GRCh37 (hg19) VCF-style: chr2-26696039-G-A.
Other names: c.3694C>T, p.Arg1232Trp (NM_001287489.2); c.1453C>T, p.Arg485Trp (NM_004802.4, NM_194323.3); c.1624C>T, p.Arg542Trp (NM_194322.3); short protein forms R1232W, R542W, R485W.
Identifiers: ClinVar variation 196192 (VCV000196192.12), dbSNP rs749458515, ClinGen allele CA243068.